The following is an entry in ClinVar:

NM_004304.5(ALK):c.1937A>G (p.Gln646Arg)

Gene: ALK (ALK receptor tyrosine kinase; minus strand). Cytogenetic location: 2p23.2.
Variant type: single nucleotide variant.
Coding change: c.1937A>G on transcript NM_004304.5 (MANE Select); coding-DNA position 1937, A replaced by G.
Protein change: p.Gln646Arg; replaces glutamine 646 with arginine.
Molecular consequence: missense variant.
Genome position (GRCh38, 1-based): chr2:29,275,203, T>C on the plus strand (A>G on the coding strand, the complement: ALK is on the minus strand). VCF-style: chr2-29275203-T-C. GRCh37 (hg19) VCF-style: chr2-29498069-T-C.
Other names: short protein forms Q646R.
Identifiers: ClinVar variation 946641 (VCV000946641.9), dbSNP rs1311437200, ClinGen allele CA346479782.

ClinVar aggregate classification (germline): Uncertain significance (1 of 4 stars; one submission).

Conditions:
Neuroblastoma, susceptibility to, 3. Also called: ALK-Related Neuroblastic Tumor Susceptibility. Identifiers: Orphanet 635, MedGen C2751681, MONDO:0013083, OMIM 613014.

Submission:

Labcorp Genetics (formerly Invitae), Labcorp
Classification: Uncertain significance for Neuroblastoma, susceptibility to, 3. Last evaluated: 2019-07-10. Review status: criteria provided, single submitter. Criteria: Invitae Variant Classification Sherloc (09022015). Collection method: clinical testing. Allele origin: germline.
Comment: This sequence change replaces glutamine with arginine at codon 646 of the ALK protein (p.Gln646Arg). The glutamine residue is moderately conserved and there is a small physicochemical difference between glutamine and arginine. This variant is not present in population databases (ExAC no frequency). This variant has not been reported in the literature in individuals with ALK-related conditions. Algorithms developed to predict the effect of missense changes on protein structure and function output the following: SIFT: "Tolerated"; PolyPhen-2: "Benign"; Align-GVGD: "Class C0". The arginine amino acid residue is found in multiple mammalian species, suggesting that this missense change does not adversely affect protein function. These predictions have not been confirmed by published functional studies and their clinical significance is uncertain. In summary, the available evidence is currently insufficient to determine the role of this variant in disease. Therefore, it has been classified as a Variant of Uncertain Significance.